The following is an entry in ClinVar:

NM_017617.5(NOTCH1):c.7541_7542del (p.Pro2514fs)

Gene: NOTCH1 (notch receptor 1; minus strand). Cytogenetic location: 9q34.3.
Variant type: Deletion.
Coding change: c.7541_7542del on transcript NM_017617.5 (MANE Select); coding-DNA positions 7541 to 7542, 2 bases deleted (CT; older notation c.7541_7542delCT).
Protein change: p.Pro2514fs; shifts the reading frame from proline 2514.
Molecular consequence: frameshift variant.
Genome position (GRCh38, 1-based): chr9:136,496,197-136,496,198, AG deleted on the plus strand (CT on the coding strand, the reverse complement: NOTCH1 is on the minus strand). VCF-style (leftmost placement, unchanged base first): chr9-136496196-CAG-C. GRCh37 (hg19) VCF-style: chr9-139390648-CAG-C.
Other names: c.7541_7542delCT (NM_017617.5); c.7541_7542del, p.Pro2514fs (LRG_1122t1); short protein forms P2514fs.
Identifiers: ClinVar variation 581973 (VCV000581973.10), dbSNP rs763016003, ClinGen allele CA5339658.
Genomic context (GRCh38, chr9:136,496,196, plus strand): 5'-CCTCGGACCAGTCGGAGACGTTGGAATGCGGGGACGAGCTGGACCACTGGTCAGGGGACT[CAG>C]GGGACGGGGTGAGGAAGGGGTGCTCAGGCACCTGTAGCTGGTGGCTGGGGGTGTTGTCCA-3'

ClinVar aggregate classification (germline): Uncertain significance. Review status: criteria provided, multiple submitters, no conflicts (2 of 4 stars). 3 submissions from 2 submitters: Uncertain significance (3). Last evaluated 2025-12-08.
ClinVar aggregate classification (oncogenicity): Oncogenic (1 of 4 stars; one submission).

Conditions:
Adams-Oliver syndrome 5 (AOS5). Identifiers: Orphanet 974, MedGen C4014970, MONDO:0014459, OMIM 616028.
Aortic valve disease 1 (AOVD1). Identifiers: MedGen C3887892, MONDO:0024523, OMIM 109730.
Neoplasm. Also called: tumor; Neoplasms; Neoplasm (disease). Identifiers: MedGen C0027651, MeSH D009369, MONDO:0005070, HP:0002664.

Allele frequency attached by ClinVar (database versions not stated): gnomAD exomes 0.00001; ExAC 0.00001; gnomAD 0.00003.

Submissions (4):

Labcorp Genetics (formerly Invitae), Labcorp
Classification: Uncertain significance for Adams-Oliver syndrome 5. Last evaluated: 2025-12-08. Review status: criteria provided, single submitter. Criteria: Invitae Variant Classification Sherloc (09022015). Collection method: clinical testing. Allele origin: germline.
Comment: This sequence change creates a premature translational stop signal (p.Pro2514Argfs*4) in the NOTCH1 gene. While this is not anticipated to result in nonsense mediated decay, it is expected to disrupt the last 42 amino acid(s) of the NOTCH1 protein. The frequency data for this variant in the population databases is considered unreliable, as metrics indicate poor data quality at this position in the gnomAD database. This variant has not been reported in the literature in individuals affected with NOTCH1-related conditions. ClinVar contains an entry for this variant (Variation ID: 581973). In summary, the available evidence is currently insufficient to determine the role of this variant in disease. Therefore, it has been classified as a Variant of Uncertain Significance.

Center for Genomic Medicine, Rigshospitalet, Copenhagen University Hospital
Classification: Oncogenic for Neoplasm. Last evaluated: 2025-03-04. Review status: criteria provided, single submitter. Criteria: ClinGen/CGC/VICC Guidelines for Oncogenicity, 2022. Collection method: clinical testing. Allele origin: somatic. Affected: yes.

Genome-Nilou Lab
Classification: Uncertain significance for Adams-Oliver syndrome 5. Last evaluated: 2022-03-15. Review status: criteria provided, single submitter. Criteria: ACMG Guidelines, 2015. Collection method: clinical testing. Allele origin: germline. Affected: no.

Genome-Nilou Lab
Classification: Uncertain significance for Aortic valve disease 1. Last evaluated: 2022-03-15. Review status: criteria provided, single submitter. Criteria: ACMG Guidelines, 2015. Collection method: clinical testing. Allele origin: germline. Affected: no.

Literature cited by the submitters: PubMed 28017968 (cited by Center for Genomic Medicine, Rigshospitalet, Copenhagen University Hospital).